The following is an entry in ClinVar:

ClinVar aggregate classification (germline): Uncertain significance (1 of 4 stars; one submission).

Conditions:
Brugada syndrome 4 (BRGDA4). Identifiers: Orphanet 130, MedGen C2678477, MONDO:0012743, OMIM 611876.

Allele frequency attached by ClinVar (database versions not stated): gnomAD exomes below 0.00001; gnomAD 0.00001; TOPMed 0.00001; ExAC 0.00002.
gnomAD v4.1: 8 of 1,613,942 alleles (0.0005%); highest among the groups gnomAD compares: Admixed American, 0.012%; no homozygotes.

Submission:

Labcorp Genetics (formerly Invitae), Labcorp
Classification: Uncertain significance for Brugada syndrome 4. Last evaluated: 2022-09-18. Review status: criteria provided, single submitter. Criteria: Invitae Variant Classification Sherloc (09022015). Collection method: clinical testing. Allele origin: germline.
Comment: Advanced modeling of protein sequence and biophysical properties (such as structural, functional, and spatial information, amino acid conservation, physicochemical variation, residue mobility, and thermodynamic stability) performed at Invitae indicates that this missense variant is not expected to disrupt CACNB2 protein function. This sequence change replaces glutamic acid, which is acidic and polar, with glutamine, which is neutral and polar, at codon 499 of the CACNB2 protein (p.Glu499Gln). This variant is present in population databases (rs746408298, gnomAD 0.02%). This variant has not been reported in the literature in individuals affected with CACNB2-related conditions. In summary, the available evidence is currently insufficient to determine the role of this variant in disease. Therefore, it has been classified as a Variant of Uncertain Significance.

NM_201596.3(CACNB2):c.1657G>C (p.Glu553Gln)

Gene: CACNB2 (calcium voltage-gated channel auxiliary subunit beta 2; plus strand). Cytogenetic location: 10p12.31.
Variant type: single nucleotide variant.
Coding change: c.1657G>C on transcript NM_201596.3 (MANE Select); coding-DNA position 1657, G replaced by C.
Protein change: p.Glu553Gln; replaces glutamic acid 553 with glutamine.
Molecular consequence: missense variant.
Genome position (GRCh38, 1-based): chr10:18,539,398, G>C. VCF-style: chr10-18539398-G-C. GRCh37 (hg19) VCF-style: chr10-18828327-G-C.
Other names: c.1492G>C, p.Glu498Gln (NM_000724.4); c.1459G>C, p.Glu487Gln (NM_001167945.2); c.1378G>C, p.Glu460Gln (NM_001330060.2); c.1399G>C, p.Glu467Gln (NM_001410882.1); c.1513G>C, p.Glu505Gln (NM_201570.3); c.1573G>C, p.Glu525Gln (NM_201571.4); c.1501G>C, p.Glu501Gln (NM_201572.4); c.1495G>C, p.Glu499Gln (NM_201590.3); and 2 more; short protein forms E460Q, E501Q, E529Q, E487Q, E553Q, E498Q, E505Q, E515Q.
Identifiers: ClinVar variation 2183206 (VCV002183206.4), dbSNP rs746408298, ClinGen allele CA5430120.